The following is an entry in ClinVar:

NM_001035.3(RYR2):c.459C>T (p.Thr153=)

Gene: RYR2 (ryanodine receptor 2; plus strand). Cytogenetic location: 1q43.
Variant type: single nucleotide variant.
Coding change: c.459C>T on transcript NM_001035.3 (MANE Select); coding-DNA position 459, C replaced by T.
Protein change: p.Thr153=; no amino-acid change (threonine 153 retained).
Molecular consequence: synonymous variant.
Genome position (GRCh38, 1-based): chr1:237,374,791, C>T. VCF-style: chr1-237374791-C-T. GRCh37 (hg19) VCF-style: chr1-237538091-C-T.
Identifiers: ClinVar variation 1741768 (VCV001741768.10), dbSNP rs1396976680, ClinGen allele CA423808563.

ClinVar aggregate classification (germline): Likely benign. Review status: criteria provided, multiple submitters, no conflicts (2 of 4 stars). 5 submissions from 5 submitters: Likely benign (5). Last evaluated 2025-08-22.

Conditions:
Cardiovascular phenotype. Identifiers: MedGen CN230736.
Cardiomyopathy (CMYO). Also called: Cardiomyopathies. Identifiers: Orphanet 167848, MedGen C0878544, MONDO:0004994, HP:0001638. Inheritance: Various modes of inheritance.
Catecholaminergic polymorphic ventricular tachycardia 1. Also called: VENTRICULAR TACHYCARDIA, CATECHOLAMINERGIC POLYMORPHIC, 1, WITH OR WITHOUT ATRIAL DYSFUNCTION AND/OR DILATED CARDIOMYOPATHY; VENTRICULAR TACHYCARDIA, STRESS-INDUCED POLYMORPHIC 1; RYR2-Related Catecholaminergic Polymorphic Ventricular Tachycardia. Identifiers: Orphanet 3286, MedGen C1631597, MONDO:0011484, OMIM 604772.
Catecholaminergic polymorphic ventricular tachycardia (CVPT). Also called: Catecholamine-induced polymorphic ventricular tachycardia. Identifiers: Orphanet 3286, MedGen C5574922, MONDO:0017990.

Allele frequency attached by ClinVar (database versions not stated): gnomAD exomes below 0.00001; gnomAD 0.00003; TOPMed 0.00004.
gnomAD v4.1: 11 of 1,610,900 alleles (0.00068%); highest among the groups gnomAD compares: African/African-American, 0.015%; no homozygotes.

Submissions (5):

Labcorp Genetics (formerly Invitae), Labcorp
Classification: Likely benign for Catecholaminergic polymorphic ventricular tachycardia 1. Last evaluated: 2025-08-22. Review status: criteria provided, single submitter. Criteria: Invitae Variant Classification Sherloc (09022015). Collection method: clinical testing. Allele origin: germline.

All of Us Research Program, National Institutes of Health
Classification: Likely benign for Catecholaminergic polymorphic ventricular tachycardia. Last evaluated: 2023-12-01. Review status: criteria provided, single submitter. Criteria: ACMG Guidelines, 2015. Collection method: clinical testing. Allele origin: germline. Inheritance: Autosomal dominant inheritance. Observed: 4 variant alleles, 4 heterozygotes.
Comment: This study involves interpretation of variants in research participants for the purpose of population health screening. Participant phenotype was not available at the time of variant classification. Additional details can be found in publication PMID: 35346344, PMCID: PMC8962531

Women's Health and Genetics/Laboratory Corporation of America, LabCorp
Classification: Likely benign. Last evaluated: 2023-08-19. Review status: criteria provided, single submitter. Criteria: LabCorp Variant Classification Summary - May 2015. Collection method: clinical testing. Allele origin: germline.

Color Diagnostics, LLC DBA Color Health
Classification: Likely benign for Cardiomyopathy. Last evaluated: 2022-11-06. Review status: criteria provided, single submitter. Criteria: ACMG Guidelines, 2015. Collection method: clinical testing. Allele origin: germline.

Ambry Genetics
Classification: Likely benign for Cardiovascular phenotype. Last evaluated: 2020-10-22. Review status: criteria provided, single submitter. Criteria: Ambry Variant Classification Scheme 2023. Collection method: clinical testing. Allele origin: germline.